The following is an entry in ClinVar:

ClinVar aggregate classification (germline): Uncertain significance (1 of 4 stars; one submission).

Conditions:
Cardiovascular phenotype. Identifiers: MedGen CN230736.

Submission:

Ambry Genetics
Classification: Uncertain significance for Cardiovascular phenotype. Last evaluated: 2026-07-22. Review status: criteria provided, single submitter. Criteria: Ambry Variant Classification Scheme 2023. Collection method: clinical testing. Allele origin: germline.
Comment: The p.E316A variant (also known as c.947A>C), located in coding exon 7 of the ENG gene, results from an A to C substitution at nucleotide position 947. The glutamic acid at codon 316 is replaced by alanine, an amino acid with dissimilar properties. This amino acid position is conserved. In addition, this alteration is predicted to be tolerated by in silico analysis. Based on the available evidence, the clinical significance of this variant remains unclear.

NM_001114753.3(ENG):c.947A>C (p.Glu316Ala)

Gene: ENG (endoglin; minus strand). Cytogenetic location: 9q34.11.
Variant type: single nucleotide variant.
Coding change: c.947A>C on transcript NM_001114753.3 (MANE Select); coding-DNA position 947, A replaced by C.
Protein change: p.Glu316Ala; replaces glutamic acid 316 with alanine.
Molecular consequence: missense variant.
Genome position (GRCh38, 1-based): chr9:127,824,844, T>G on the plus strand (A>C on the coding strand, the complement: ENG is on the minus strand). VCF-style: chr9-127824844-T-G. GRCh37 (hg19) VCF-style: chr9-130587123-T-G.
Other names: c.947A>C, p.Glu316Ala (NM_000118.4, NM_001406715.1); c.401A>C, p.Glu134Ala (NM_001278138.2); short protein forms E134A, E316A.
Identifiers: ClinVar variation 5035965 (VCV005035965.1).